The following is an entry in ClinVar:

ClinVar aggregate classification (germline): Pathogenic. Review status: criteria provided, multiple submitters, no conflicts (2 of 4 stars). 3 submissions from 3 submitters: Pathogenic (3). Last evaluated 2021-11-07.

Conditions:
Tuberous sclerosis 1 (TSC1). Identifiers: Orphanet 805, MedGen C1854465, MONDO:0008612, OMIM 191100.

Submissions (3):

Genome-Nilou Lab
Classification: Pathogenic for Tuberous sclerosis 1. Last evaluated: 2021-11-07. Review status: criteria provided, single submitter. Criteria: ACMG Guidelines, 2015. Collection method: clinical testing. Allele origin: germline. Affected: no.

Labcorp Genetics (formerly Invitae), Labcorp
Classification: Pathogenic for Tuberous sclerosis 1. Last evaluated: 2018-10-09. Review status: criteria provided, single submitter. Criteria: Invitae Variant Classification Sherloc (09022015). Collection method: clinical testing. Allele origin: germline.
Comment: This variant has not been reported in the literature in individuals with TSC1-related disease. Loss-of-function variants in TSC1 are known to be pathogenic (PMID: 10227394, 17304050). For these reasons, this variant has been classified as Pathogenic. This variant is not present in population databases (ExAC no frequency). This sequence change creates a premature translational stop signal (p.Ser88Ilefs*19) in the TSC1 gene. It is expected to result in an absent or disrupted protein product.

GeneDx
Classification: Pathogenic. Last evaluated: 2018-08-28. Review status: criteria provided, single submitter. Criteria: GeneDx Variant Classification (06012015). Collection method: clinical testing. Allele origin: germline. Affected: yes.
Comment: The c.261dupA pathogenic variant in the TSC1 gene causes a frameshift starting with codon Serine 88, changes this amino acid to an Isoleucine residue and creates a premature Stop codon at position 19 of the new reading frame, denoted p.Ser88IlefsX19. This pathogenic variant is predicted to cause loss of normal protein function either through protein truncation or nonsense-mediated mRNA decay. The c.261dupA variant is not observed in large population cohorts (Lek et al., 2016).

Literature cited by the submitters: PubMed 10227394 (cited by Labcorp Genetics (formerly Invitae), Labcorp); PubMed 17304050 (cited by Labcorp Genetics (formerly Invitae), Labcorp).

NM_000368.5(TSC1):c.261dup (p.Ser88fs)

Gene: TSC1 (TSC complex subunit 1; minus strand). Cytogenetic location: 9q34.13.
Variant type: Duplication.
Coding change: c.261dup on transcript NM_000368.5 (MANE Select); coding-DNA position 261, one base duplicated (A; older notation c.261dupA).
Protein change: p.Ser88fs; shifts the reading frame from serine 88.
Molecular consequence: frameshift variant. On other transcripts: 5 prime UTR variant (1), intron variant (1).
Genome position (GRCh38, 1-based): chr9:132,925,689, T duplicated on the plus strand (A on the coding strand, the reverse complement: TSC1 is on the minus strand). VCF-style (leftmost placement, unchanged base first): chr9-132925688-A-AT. GRCh37 (hg19) VCF-style: chr9-135801075-A-AT.
Other names: c.261dup, p.Ser88fs (NM_001162426.2); c.-103dup (NM_001362177.2); c.210+1512dup (NM_001162427.2); c.261dupA (NM_000368.4); short protein forms S88fs.
Identifiers: ClinVar variation 662173 (VCV000662173.9), dbSNP rs1588355628, ClinGen allele CA915947269.